The following is an entry in ClinVar:

NC_012920.1(MT-TC):m.5819T>C

Gene: MT-TC (mitochondrially encoded tRNA cysteine; minus strand).
Variant type: single nucleotide variant.
Genome position: chrM-5819-T-C.
Identifiers: ClinVar variation 690004 (VCV000690004.1), dbSNP rs1603220139, ClinGen allele CA913180555.

ClinVar aggregate classification (germline): Uncertain significance (1 of 4 stars; one submission).

Conditions:
MELAS syndrome (MELAS). Also called: Juvenile myopathy, encephalopathy, lactic acidosis, stroke. Identifiers: Orphanet 550, MedGen C0162671, MONDO:0010789, OMIM 540000.

Submission:

Wong Mito Lab, Molecular and Human Genetics, Baylor College of Medicine
Classification: Uncertain significance for MELAS syndrome. Last evaluated: 2019-07-12. Review status: criteria provided, single submitter. Criteria: Modified ACMG Guidelines (Unpublished). Collection method: clinical testing. Allele origin: germline.
Comment: The NC_012920.1:m.5819T>C variant in MT-TC gene is interpreted to be a Unknown Significance variant based on the modified ACMG guidelines (unpublished). This variant meets the following evidence codes reported in the guidelines: BP4, PP7

Literature cited by the submitters: PubMed 31965079.